The following is an entry in ClinVar:

ClinVar aggregate classification (germline): Likely pathogenic. Review status: reviewed by expert panel (3 of 4 stars). 11 submissions from 11 submitters: Likely pathogenic (1). 10 of the submissions do not count toward it. Last evaluated 2023-12-20.

Conditions:
Cardiovascular phenotype. Identifiers: MedGen CN230736.
Glycogen storage disease, type II (IOPD). Also called: Glucosidase acid-1,4-alpha deficiency; Glycogen storage disease type 2; Acid maltase deficiency disease; Aglucosidase alfa; Deficiency of alpha-glucosidase; Deficiency of lysosomal alpha-glucosidase. Identifiers: Orphanet 365, MedGen C0017921, MONDO:0009290, OMIM 232300.

Allele frequency attached by ClinVar (database versions not stated): gnomAD exomes 0.00002 and 0.00004; TOPMed 0.00002; gnomAD 0.00003; ExAC 0.00004.

Submissions (11):

ClinGen Lysosomal Storage Disorder Variant Curation Expert Panel
Classification: Likely pathogenic for Glycogen storage disease, type II. Last evaluated: 2023-12-20. Review status: reviewed by expert panel. Criteria: clingen_lsd_acmg_specifications_v2-1. Collection method: curation. Allele origin: germline. Inheritance: Autosomal recessive inheritance.
Comment: The NM_000152.5:c.2455C>T variant in GAA is predicted to result in the substitution of arginine by tryptophan at amino acid 819 (p.Arg819Trp). Two patients with this variant have been reported, both with documented values showing reduced GAA activity, and one with confirmed absence of pseudodeficiency variants (Clinical Diagnostic Laboratory, PMID: 33741225) (PP4_Moderate). One of these patients is compound heterozygous for the variant, in trans (based on testing of one parent) with a pathogenic variant in GAA, c.-32-13T>G (Clinical Diagnostic Laboratory). The other patient is compound heterozygous for the variant and c.2189+5_2189+8delGTGA. The allelic data from this patient will be used in the classification of the intronic variant and is not included here to avoid circular logic (PM3). The highest population minor allele frequency in gnomAD v4.0 is 0.00006687 (4/59818 alleles) in the Admixed American population, which is lower than the ClinGen LD VCEP's threshold (<0.001) for PM2_Supporting, meeting this criterion. The computational predictor REVEL gives a score of 0.822 which is above the threshold of 0.7, evidence that correlates with impact to GAA function (PP3). Another missense variant at this same amino acid position (c.2456 G>C, p.Arg819Pro) has been reported in individuals with Pompe disease (PMID: 22252923). There is a ClinVar entry for this variant (Variation ID: 456402). In summary, this variant meets the criteria to be classified as likely apthogenic for Pompe disease. GAA-specific ACMG/AMP criteria applied, as specified by the Clingen Lysosomal Diseases VCEP (Specifications Version 2.0): PM3, PP4_Moderate, PP3, PM2_Supporting. (Classification approved by the ClinGen Lysosomal Diseases Variant Curation Expert Panel on December 20, 2023).

Ambry Genetics
Classification: Likely pathogenic for Cardiovascular phenotype. Last evaluated: 2026-07-29. Review status: criteria provided, single submitter. Criteria: Ambry Variant Classification Scheme 2023. Collection method: clinical testing. Allele origin: germline. Not counted in ClinVar's aggregate classification.
Comment: The p.R819W variant (also known as c.2455C>T), located in coding exon 16 of the GAA gene, results from a C to T substitution at nucleotide position 2455. The arginine at codon 819 is replaced by tryptophan, an amino acid with dissimilar properties. This variant has been identified in the homozygous state and/or in conjunction with other GAA variant(s) in individual(s) with features consistent with Pompe disease; in at least one instance, the variants were identified in trans (Puri RD et al. Neuromuscul Disord, 2021 May;31:431-441; external communications). This amino acid position is conserved. In addition, this alteration is predicted to be deleterious by in silico analysis. This variant is considered to be rare based on population cohorts in the Genome Aggregation Database (gnomAD). Based on the majority of available evidence to date, this variant is likely to be pathogenic.

Genomenon, Inc
Classification: Uncertain significance for Glycogen storage disease, type II. Last evaluated: 2026-07-01. Review status: criteria provided, single submitter. Criteria: Genomenon Sequence Variant Interpretation Standards - Updated. Collection method: curation. Allele origin: germline. Affected: yes. Not counted in ClinVar's aggregate classification.
Comment: GAA p.Arg819Trp (c.2455C>T) is a missense variant that changes the amino acid at codon 819 from Arginine to Tryptophan. This variant has been observed in at least one proband with a GAA-related disorder (PMID:33741225). It is absent or not present at a significant frequency in gnomAD. In silico models predict that this variant is possibly or probably damaging. In conclusion, we classify GAA p.Arg819Trp (c.2455C>T) as a variant of uncertain significance.

Myriad Genetics, Inc.
Classification: Uncertain significance for Glycogen storage disease, type II. Last evaluated: 2026-05-15. Review status: criteria provided, single submitter. Criteria: Myriad Autosomal Dominant, Autosomal Recessive and X-Linked Classification Criteria (2023). Collection method: clinical testing. Allele origin: unknown. Not counted in ClinVar's aggregate classification.
Comment: NM_000152.3(GAA):c.2455C>T(R819W) is a missense variant classified as a variant of uncertain significance in the context of Pompe disease. R819W has been observed in a case with relevant disease (PMID: 33741225). Relevant functional assessments of this variant are not available in the literature. R819W has been observed in referenced population frequency databases. In summary, there is insufficient evidence to classify NM_000152.3(GAA):c.2455C>T(R819W) as pathogenic or benign. Please note: this variant was assessed in the context of healthy population screening.

Labcorp Genetics (formerly Invitae), Labcorp
Classification: Pathogenic for Glycogen storage disease, type II. Last evaluated: 2025-12-31. Review status: criteria provided, single submitter. Criteria: Invitae Variant Classification Sherloc (09022015). Collection method: clinical testing. Allele origin: germline. Not counted in ClinVar's aggregate classification.
Comment: This sequence change replaces arginine, which is basic and polar, with tryptophan, which is neutral and slightly polar, at codon 819 of the GAA protein (p.Arg819Trp). This variant is present in population databases (rs61736895, gnomAD 0.009%). This missense change has been observed in individual(s) with Pompe disease (PMID: 33741225). ClinVar contains an entry for this variant (Variation ID: 456402). Invitae Evidence Modeling of protein sequence and biophysical properties (such as structural, functional, and spatial information, amino acid conservation, physicochemical variation, residue mobility, and thermodynamic stability) indicates that this missense variant is expected to disrupt GAA protein function with a positive predictive value of 95%. This variant disrupts the p.Arg819 amino acid residue in GAA. Other variant(s) that disrupt this residue have been determined to be pathogenic (internal data). This suggests that this residue is clinically significant, and that variants that disrupt this residue are likely to be disease-causing. For these reasons, this variant has been classified as Pathogenic.

Women's Health and Genetics/Laboratory Corporation of America, LabCorp
Classification: Likely pathogenic for Glycogen storage disease, type II. Last evaluated: 2025-08-15. Review status: criteria provided, single submitter. Criteria: LabCorp Variant Classification Summary - May 2015. Collection method: clinical testing. Allele origin: germline. Not counted in ClinVar's aggregate classification.
Comment: Variant summary: GAA c.2455C>T (p.Arg819Trp) results in a non-conservative amino acid change in the encoded protein sequence. Algorithms developed to predict the effect of missense changes on protein structure and function all suggest that this variant is likely to be disruptive. The variant allele was found at a frequency of 2.5e-05 in 243096 control chromosomes. c.2455C>T has been reported in the literature in an individual affected with Glycogen Storage Disease (example: Puri_2021). These data do not allow any conclusion about variant significance. A different variant affecting the same codon has been classified as pathogenic by our lab (c.2456G>C, p.Arg819Pro), supporting the critical relevance of codon 819 to GAA protein function. The following publication has been ascertained in the context of this evaluation (PMID: 33741225). ClinVar contains an entry for this variant (Variation ID: 456402). Based on the evidence outlined above, the variant was classified as likely pathogenic.

Revvity Omics, Revvity
Classification: Likely pathogenic. Last evaluated: 2025-05-12. Review status: criteria provided, single submitter. Criteria: ACMG Guidelines, 2015. Collection method: clinical testing. Allele origin: germline. Not counted in ClinVar's aggregate classification.

Fulgent Genetics
Classification: Likely pathogenic for Glycogen storage disease, type II. Last evaluated: 2024-06-18. Review status: criteria provided, single submitter. Criteria: ACMG Guidelines, 2015. Collection method: clinical testing. Allele origin: germline. Not counted in ClinVar's aggregate classification.

GeneDx
Classification: Uncertain significance. Last evaluated: 2023-08-22. Review status: criteria provided, single submitter. Criteria: GeneDx Variant Classification Process June 2021. Collection method: clinical testing. Allele origin: germline. Affected: yes. Not counted in ClinVar's aggregate classification.
Comment: Not observed at significant frequency in large population cohorts (gnomAD); In silico analysis supports that this missense variant has a deleterious effect on protein structure/function; This variant is associated with the following publications: (PMID: 19343043, 22253258, 33741225)

Genome-Nilou Lab
Classification: Uncertain significance for Glycogen storage disease, type II. Last evaluated: 2021-09-05. Review status: criteria provided, single submitter. Criteria: ACMG Guidelines, 2015. Collection method: clinical testing. Allele origin: germline. Affected: no. Not counted in ClinVar's aggregate classification.

Natera, Inc.
Classification: Uncertain significance for Glycogen storage disease type II. Last evaluated: 2019-10-28. Review status: no assertion criteria provided. Collection method: clinical testing. Allele origin: germline. Not counted in ClinVar's aggregate classification.

Literature cited by the submitters: PubMed 33741225 (cited by 5 submitters).

NM_000152.5(GAA):c.2455C>T (p.Arg819Trp)

Gene: GAA (alpha glucosidase; plus strand). Cytogenetic location: 17q25.3.
Variant type: single nucleotide variant.
Coding change: c.2455C>T on transcript NM_000152.5 (MANE Select); coding-DNA position 2455, C replaced by T.
Protein change: p.Arg819Trp; replaces arginine 819 with tryptophan.
Molecular consequence: missense variant.
Genome position (GRCh38, 1-based): chr17:80,117,723, C>T. VCF-style: chr17-80117723-C-T. GRCh37 (hg19) VCF-style: chr17-78091522-C-T.
Other names: NM_000152.5(GAA):c.2455C>T; p.Arg819Trp; c.2455C>T (LRG_673t1, NM_000152.4); c.2455C>T, p.Arg819Trp (NM_001079803.3, NM_001079804.3); short protein forms R819W.
Identifiers: ClinVar variation 456402 (VCV000456402.32), dbSNP rs61736895, ClinGen allele CA8815746.